The following is an entry in ClinVar:

NM_001349338.3(FOXP1):c.1429-42_1457dup

Genes: FOXP1 (forkhead box P1; minus strand), LOC126806714 (BRD4-independent group 4 enhancer GRCh37_chr3:71025197-71026396; plus strand). Cytogenetic location: 3p13.
Variant type: Duplication.
Coding change: c.1429-42_1457dup on transcript NM_001349338.3 (MANE Select); 42 bases into the intron before coding-DNA position 1429 through coding-DNA position 1457, 71 bases duplicated.
Molecular consequence: splice acceptor variant.
Genome position (GRCh38, 1-based): chr3:70,977,014-70,977,084, 71 bases duplicated. GRCh37 (hg19): chr3:71,026,168-71,026,238.
Other names: c.1429-42_1457dup (NM_001244810.2, NM_032682.6, NM_001349340.3 and 2 more transcripts); c.1426-42_1454dup (NM_001349341.3, NM_001244808.3); c.1201-42_1229dup (NM_001244812.3); c.1126-42_1154dup (NM_001349343.3, NM_001349337.2, NM_001370548.1 and 1 more transcripts); c.1129-42_1157dup (NM_001349342.3, NM_001244815.2, NM_001244813.3).
Identifiers: ClinVar variation 4294379 (VCV004294379.1).

ClinVar aggregate classification (germline): Uncertain significance (1 of 4 stars; one submission).

Conditions:
Intellectual disability-severe speech delay-mild dysmorphism syndrome (IDDLA). Also called: Intellectual developmental disorder with language impairment AND with or without autistic features; Mental retardation with language impairment and autistic features; FOXP1 Syndrome. Identifiers: Orphanet 391372, MedGen C4013764, MONDO:0013352, OMIM 613670.

Submission:

Laboratoire Génétique Moléculaire, CHRU TOURS
Classification: Uncertain significance for Intellectual disability-severe speech delay-mild dysmorphism syndrome. Last evaluated: 2024-05-14. Review status: criteria provided, single submitter. Criteria: ACMG Guidelines, 2015. Collection method: clinical testing. Allele origin: maternal.
Comment: PM2